The following is an entry in ClinVar:

NM_001267550.2(TTN):c.15814G>A (p.Val5272Met)

Gene: TTN (titin; minus strand). Cytogenetic location: 2q31.2.
Variant type: single nucleotide variant.
Coding change: c.15814G>A on transcript NM_001267550.2 (MANE Select); coding-DNA position 15814, G replaced by A.
Protein change: p.Val5272Met; replaces valine 5272 with methionine.
Molecular consequence: missense variant. On other transcripts: intron variant (3).
Genome position (GRCh38, 1-based): chr2:178,733,479, C>T on the plus strand (G>A on the coding strand, the complement: TTN is on the minus strand). VCF-style: chr2-178733479-C-T. GRCh37 (hg19) VCF-style: chr2-179598206-C-T.
Other names: c.14863G>A, p.Val4955Met (NM_001256850.1); c.12082G>A, p.Val4028Met (NM_133378.4); c.13282+4603G>A (NM_003319.4); c.13858+4603G>A (NM_133437.4); c.13657+4603G>A (NM_133432.3); short protein forms V4028M, V4955M, V5272M.
Identifiers: ClinVar variation 2437926 (VCV002437926.4), dbSNP rs746406893, ClinGen allele CA2002147.

ClinVar aggregate classification (germline): Uncertain significance. Review status: criteria provided, multiple submitters, no conflicts (2 of 4 stars). 2 submissions from 2 submitters: Uncertain significance (2). Last evaluated 2026-02-16.

Conditions:
TTN-related disorder. Also called: TTN-related condition; TTN-related disease; TTN-related disorders.

Allele frequency attached by ClinVar (database versions not stated): gnomAD exomes 0.00001; ExAC 0.00002; TOPMed 0.00005; gnomAD 0.00007.
gnomAD v4.1: 31 of 1,613,566 alleles (0.0019%); highest among the groups gnomAD compares: African/African-American, 0.029%; no homozygotes.

Submissions (2):

PreventionGenetics, part of Exact Sciences
Classification: Uncertain significance for TTN-related condition. Last evaluated: 2026-02-16. Review status: criteria provided, single submitter. Criteria: ACMG Guidelines, 2015. Collection method: clinical testing. Allele origin: germline.
Comment: The TTN c.15814G>A variant is predicted to result in the amino acid substitution p.Val5272Met. To our knowledge, this variant has not been reported in the literature. This variant is reported in 0.025% of alleles in individuals of African descent in gnomAD. At this time, the clinical significance of this variant is uncertain due to the absence of conclusive functional and genetic evidence.

Revvity Omics, Revvity
Classification: Uncertain significance. Last evaluated: 2021-06-01. Review status: criteria provided, single submitter. Criteria: ACMG Guidelines, 2015. Collection method: clinical testing. Allele origin: germline.